The following is an entry in ClinVar:

NM_004415.4(DSP):c.7854C>G (p.Pro2618=)

Gene: DSP (desmoplakin; plus strand). Cytogenetic location: 6p24.3.
Variant type: single nucleotide variant.
Coding change: c.7854C>G on transcript NM_004415.4 (MANE Select); coding-DNA position 7854, C replaced by G.
Protein change: p.Pro2618=; no amino-acid change (proline 2618 retained).
Molecular consequence: synonymous variant.
Genome position (GRCh38, 1-based): chr6:7,585,116, C>G. VCF-style: chr6-7585116-C-G. GRCh37 (hg19) VCF-style: chr6-7585349-C-G.
Other names: c.7854C>G (LRG_423t1); c.6057C>G, p.Pro2019= (NM_001008844.3); c.6525C>G, p.Pro2175= (NM_001319034.2).
Identifiers: ClinVar variation 629406 (VCV000629406.3), dbSNP rs759590338, ClinGen allele CA051011.
Genomic context (GRCh38, chr6:7,585,116, plus strand): 5'-CGTCAGGAATTTAACCATAAGGAGCAGCTCTTTTTCAGACACCCTGGAAGAATCGAGCCC[C>G]ATTGCAGCCATCTTTGACACAGAAAACCTGGAGAAAATCTCCATTACAGAAGGTATAGAG-3'
Protein context (NP_004406.2, residues 2608-2628): SFSDTLEESS[Pro2618=]IAAIFDTENL

ClinVar aggregate classification (germline): Likely benign. Review status: criteria provided, multiple submitters, no conflicts (2 of 4 stars). 2 submissions from 2 submitters: Likely benign (2). Last evaluated 2024-08-06.

Conditions:
Cardiomyopathy (CMYO). Also called: Cardiomyopathies. Identifiers: Orphanet 167848, MedGen C0878544, MONDO:0004994, HP:0001638. Inheritance: Various modes of inheritance.
Arrhythmogenic cardiomyopathy with wooly hair and keratoderma. Also called: PALMOPLANTAR KERATODERMA WITH LEFT VENTRICULAR CARDIOMYOPATHY AND WOOLLY HAIR; Carvajal syndrome; Dilated cardiomyopathy with woolly hair and keratoderma; Arrhythmogenic cardiomyopathy with woolly hair and keratoderma. Identifiers: Orphanet 65282, MedGen C1854063, MONDO:0011581, OMIM 605676.

Allele frequency attached by ClinVar (database versions not stated): gnomAD exomes below 0.00001; ExAC 0.00001.
gnomAD v4.1: 1 of 1,614,162 alleles (0.000062%); highest among the groups gnomAD compares: Non-Finnish European, 0.000085%; no homozygotes.

Submissions (2):

All of Us Research Program, National Institutes of Health
Classification: Likely benign for Arrhythmogenic cardiomyopathy with wooly hair and keratoderma. Last evaluated: 2024-08-06. Review status: criteria provided, single submitter. Criteria: ACMG Guidelines, 2015. Collection method: clinical testing. Allele origin: germline. Inheritance: Autosomal dominant inheritance. Observed: 2 variant alleles, 2 heterozygotes.
Comment: This study involves interpretation of variants in research participants for the purpose of population health screening. Participant phenotype was not available at the time of variant classification. Additional details can be found in publication PMID: 35346344, PMCID: PMC8962531

Color Diagnostics, LLC DBA Color Health
Classification: Likely benign for Cardiomyopathy. Last evaluated: 2018-09-28. Review status: criteria provided, single submitter. Criteria: ACMG Guidelines, 2015. Collection method: clinical testing. Allele origin: germline.